The following is an entry in ClinVar:

ClinVar aggregate classification (germline): Uncertain significance. Review status: criteria provided, multiple submitters, no conflicts (2 of 4 stars). 6 submissions from 5 submitters: Uncertain significance (6). Last evaluated 2025-09-17.

Conditions:
Cardiovascular phenotype. Identifiers: MedGen CN230736.
Catecholaminergic polymorphic ventricular tachycardia (CVPT). Also called: Catecholamine-induced polymorphic ventricular tachycardia. Identifiers: Orphanet 3286, MedGen C5574922, MONDO:0017990.
Arrhythmogenic right ventricular dysplasia 2. Identifiers: MedGen C1832931.
Cardiomyopathy (CMYO). Also called: Cardiomyopathies. Identifiers: Orphanet 167848, MedGen C0878544, MONDO:0004994, HP:0001638. Inheritance: Various modes of inheritance.
Catecholaminergic polymorphic ventricular tachycardia 1. Also called: VENTRICULAR TACHYCARDIA, CATECHOLAMINERGIC POLYMORPHIC, 1, WITH OR WITHOUT ATRIAL DYSFUNCTION AND/OR DILATED CARDIOMYOPATHY; VENTRICULAR TACHYCARDIA, STRESS-INDUCED POLYMORPHIC 1; RYR2-Related Catecholaminergic Polymorphic Ventricular Tachycardia. Identifiers: Orphanet 3286, MedGen C1631597, MONDO:0011484, OMIM 604772.

Allele frequency attached by ClinVar (database versions not stated): gnomAD exomes below 0.00001.
gnomAD v4.1: 1 of 1,376,098 alleles (0.000073%); highest among the groups gnomAD compares: Non-Finnish European, 0.0001%; no homozygotes.

Submissions (6):

Ambry Genetics
Classification: Uncertain significance for Cardiovascular phenotype. Last evaluated: 2025-09-17. Review status: criteria provided, single submitter. Criteria: Ambry Variant Classification Scheme 2023. Collection method: clinical testing. Allele origin: germline.
Comment: The p.I571N variant (also known as c.1712T>A), located in coding exon 18 of the RYR2 gene, results from a T to A substitution at nucleotide position 1712. The isoleucine at codon 571 is replaced by asparagine, an amino acid with dissimilar properties. This amino acid position is highly conserved in available vertebrate species. In addition, this alteration is predicted to be deleterious by in silico analysis. Based on the available evidence, the clinical significance of this variant remains unclear.

Color Diagnostics, LLC DBA Color Health
Classification: Uncertain significance for Cardiomyopathy. Last evaluated: 2024-03-06. Review status: criteria provided, single submitter. Criteria: ACMG Guidelines, 2015. Collection method: clinical testing. Allele origin: germline.
Comment: This missense variant replaces isoleucine with asparagine at codon 571 of the RYR2 protein. Computational prediction suggests that this variant may have deleterious impact on protein structure and function (internally defined REVEL score threshold >= 0.7, PMID: 27666373). To our knowledge, functional studies have not been reported for this variant. This variant has not been reported in individuals affected with cardiovascular disorders in the literature. This variant has not been identified in the general population by the Genome Aggregation Database (gnomAD). The available evidence is insufficient to determine the role of this variant in disease conclusively. Therefore, this variant is classified as a Variant of Uncertain Significance.

All of Us Research Program, National Institutes of Health
Classification: Uncertain significance for Catecholaminergic polymorphic ventricular tachycardia. Last evaluated: 2023-04-03. Review status: criteria provided, single submitter. Criteria: ACMG Guidelines, 2015. Collection method: clinical testing. Allele origin: germline. Inheritance: Autosomal dominant inheritance. Observed: 1 variant allele, 1 heterozygote.
Comment: This missense variant replaces isoleucine with asparagine at codon 571 of the RYR2 protein. Computational prediction suggests that this variant may have deleterious impact on protein structure and function (internally defined REVEL score threshold >= 0.7, PMID: 27666373). To our knowledge, functional studies have not been reported for this variant. This variant has not been reported in individuals affected with cardiovascular disorders in the literature. This variant has not been identified in the general population by the Genome Aggregation Database (gnomAD). The available evidence is insufficient to determine the role of this variant in disease conclusively. Therefore, this variant is classified as a Variant of Uncertain Significance.

This study involves interpretation of variants in research participants for the purpose of population health screening. Participant phenotype was not available at the time of variant classification. Additional details can be found in publication PMID: 35346344, PMCID: PMC8962531

Labcorp Genetics (formerly Invitae), Labcorp
Classification: Uncertain significance for Catecholaminergic polymorphic ventricular tachycardia 1. Last evaluated: 2022-04-28. Review status: criteria provided, single submitter. Criteria: Invitae Variant Classification Sherloc (09022015). Collection method: clinical testing. Allele origin: germline.
Comment: This sequence change replaces isoleucine, which is neutral and non-polar, with asparagine, which is neutral and polar, at codon 571 of the RYR2 protein (p.Ile571Asn). This variant is not present in population databases (gnomAD no frequency). This variant has not been reported in the literature in individuals affected with RYR2-related conditions. ClinVar contains an entry for this variant (Variation ID: 296712). Advanced modeling of protein sequence and biophysical properties (such as structural, functional, and spatial information, amino acid conservation, physicochemical variation, residue mobility, and thermodynamic stability) performed at Invitae indicates that this missense variant is expected to disrupt RYR2 protein function. In summary, the available evidence is currently insufficient to determine the role of this variant in disease. Therefore, it has been classified as a Variant of Uncertain Significance.

Illumina Laboratory Services, Illumina
Classification: Uncertain significance for Catecholaminergic polymorphic ventricular tachycardia 1. Last evaluated: 2018-01-13. Review status: criteria provided, single submitter. Criteria: ICSL Variant Classification Criteria 13 December 2019. Collection method: clinical testing. Allele origin: germline.

Illumina Laboratory Services, Illumina
Classification: Uncertain significance for Catecholaminergic polymorphic ventricular tachycardia 1. Last evaluated: 2018-01-13. Review status: criteria provided, single submitter. Criteria: ICSL Variant Classification Criteria 13 December 2019. Collection method: clinical testing. Allele origin: germline.

NM_001035.3(RYR2):c.1712T>A (p.Ile571Asn)

Gene: RYR2 (ryanodine receptor 2; plus strand). Cytogenetic location: 1q43.
Variant type: single nucleotide variant.
Coding change: c.1712T>A on transcript NM_001035.3 (MANE Select); coding-DNA position 1712, T replaced by A.
Protein change: p.Ile571Asn; replaces isoleucine 571 with asparagine.
Molecular consequence: missense variant.
Genome position (GRCh38, 1-based): chr1:237,491,809, T>A. VCF-style: chr1-237491809-T-A. GRCh37 (hg19) VCF-style: chr1-237655109-T-A.
Other names: c.1712T>A, p.Ile571Asn (LRG_402t1); short protein forms I571N.
Identifiers: ClinVar variation 296712 (VCV000296712.13), dbSNP rs886046263, ClinGen allele CA10609552.